The following is an entry in ClinVar:

NM_006393.3(NEBL):c.1008+8C>G

Gene: NEBL (nebulette; minus strand). Cytogenetic location: 10p12.31.
Variant type: single nucleotide variant.
Coding change: c.1008+8C>G on transcript NM_006393.3 (MANE Select); 8 bases into the intron after coding-DNA position 1008, C replaced by G.
Molecular consequence: intron variant.
Genome position (GRCh38, 1-based): chr10:20,852,537, G>C on the plus strand (C>G on the coding strand, the complement: NEBL is on the minus strand). VCF-style: chr10-20852537-G-C. GRCh37 (hg19) VCF-style: chr10-21141466-G-C.
Other names: c.250-39597C>G (NM_001377326.1, NM_001377327.1, NM_001377328.1); c.358-39597C>G (NM_213569.2, NM_001173484.2, NM_001377322.1); c.301-39597C>G (NM_001377324.1); c.292-39597C>G (NM_001377325.1); c.310-39597C>G (NM_001377323.1).
Identifiers: ClinVar variation 164756 (VCV000164756.16), dbSNP rs376842299, ClinGen allele CA177441.

ClinVar aggregate classification (germline): Benign/Likely benign. Review status: criteria provided, multiple submitters, no conflicts (2 of 4 stars). 4 submissions from 4 submitters: Benign (1); Likely benign (2). 1 of the submissions does not count toward it. Last evaluated 2026-01-19.

Conditions:
NEBL-related disorder. Also called: NEBL-related condition.
Primary dilated cardiomyopathy (DCM). Also called: Dilated Cardiomyopathy. Identifiers: Orphanet 217604, MedGen C0007193, MeSH D002311, MONDO:0005021, HP:0001644. Inheritance: Various modes of inheritance.

Allele frequency attached by ClinVar (database versions not stated): gnomAD exomes 0.00005 and 0.00003; gnomAD 0.00054; 1000 Genomes Project 30x 0.00031; ExAC 0.00007; ESP Exome Variant Server 0.00023; TOPMed 0.00045.
gnomAD v4.1: 85 of 1,605,316 alleles (0.0053%); highest among the groups gnomAD compares: African/African-American, 0.1%; no homozygotes.

Submissions (4):

Labcorp Genetics (formerly Invitae), Labcorp
Classification: Benign for Primary dilated cardiomyopathy. Last evaluated: 2026-01-19. Review status: criteria provided, single submitter. Criteria: Invitae Variant Classification Sherloc (09022015). Collection method: clinical testing. Allele origin: germline.

GeneDx
Classification: Likely benign. Last evaluated: 2017-12-19. Review status: criteria provided, single submitter. Criteria: GeneDx Variant Classification (06012015). Collection method: clinical testing. Allele origin: germline. Affected: yes.
Comment: This variant is considered likely benign or benign based on one or more of the following criteria: it is a conservative change, it occurs at a poorly conserved position in the protein, it is predicted to be benign by multiple in silico algorithms, and/or has population frequency not consistent with disease.

Laboratory for Molecular Medicine, Mass General Brigham Personalized Medicine
Classification: Likely benign. Last evaluated: 2014-06-19. Review status: criteria provided, single submitter. Criteria: LMM Criteria. Collection method: clinical testing. Allele origin: germline. Observed: 1 variant allele.
Comment: 1008+8C>G in intron 10 of NEBL: This variant is not expected to have clinical si gnificance because it is not located within the splice consensus sequence. It ha s been identified in 0.1% (3/3738) of African American chromosomes from a broad population by the NHLBI Exome Sequencing Project (VS).

PreventionGenetics, part of Exact Sciences
Classification: Likely benign for NEBL-related condition. Last evaluated: 2019-09-10. Review status: no assertion criteria provided. Collection method: clinical testing. Allele origin: germline. Not counted in ClinVar's aggregate classification.
Comment: This variant is classified as likely benign based on ACMG/AMP sequence variant interpretation guidelines (Richards et al. 2015 PMID: 25741868, with internal and published modifications).